The following is an entry in ClinVar:

NM_015443.4(KANSL1):c.2392+155C>T

Gene: KANSL1 (KAT8 regulatory NSL complex subunit 1). Cytogenetic location: 17q21.31.
Variant type: single nucleotide variant.
Coding change: c.2392+155C>T on transcript NM_015443.4 (MANE Select); 155 bases into the intron after coding-DNA position 2392, C replaced by T.
Molecular consequence: intron variant.
Genome position (GRCh38, 1-based): chr17:46,038,872, G>A on the plus strand (C>T on the coding strand, the complement: KANSL1 is on the minus strand). VCF-style: chr17-46038872-G-A. GRCh37 (hg19) VCF-style: chr17-44116238-G-A.
Other names: c.2392+155C>T (NM_001193465.2, NM_001379198.1, NM_001193466.2).
Identifiers: ClinVar variation 670429 (VCV000670429.2), dbSNP rs41437445, ClinGen allele CA14404222.

ClinVar aggregate classification (germline): Benign. Review status: criteria provided, multiple submitters, no conflicts (2 of 4 stars). 2 submissions from 2 submitters: Benign (2). Last evaluated 2018-06-14.

Allele frequency attached by ClinVar (database versions not stated): 1000 Genomes Project 30x 0.08542; 1000 Genomes Project 0.08626; gnomAD 0.14177 and 0.14464; TOPMed 0.14812.
gnomAD v4.1: 212,312 of 1,138,568 alleles (19%); highest among the groups gnomAD compares: Non-Finnish European, 22%; 22,946 homozygotes.

Submissions (2):

GeneDx
Classification: Benign. Last evaluated: 2018-06-14. Review status: criteria provided, single submitter. Criteria: GeneDx Variant Classification (06012015). Collection method: clinical testing. Allele origin: germline. Affected: yes.
Comment: This variant is considered likely benign or benign based on one or more of the following criteria: it is a conservative change, it occurs at a poorly conserved position in the protein, it is predicted to be benign by multiple in silico algorithms, and/or has population frequency not consistent with disease.

Breakthrough Genomics
Classification: Benign. Review status: criteria provided, single submitter. Criteria: ACMG Guidelines, 2015. Collection method: not provided. Allele origin: germline. Inheritance: Autosomal dominant inheritance. Affected: yes.